The following is an entry in ClinVar:

NM_017617.5(NOTCH1):c.2467+5G>A

Gene: NOTCH1 (notch receptor 1; minus strand). Cytogenetic location: 9q34.3.
Variant type: single nucleotide variant.
Coding change: c.2467+5G>A on transcript NM_017617.5 (MANE Select); 5 bases into the intron after coding-DNA position 2467, G replaced by A.
Molecular consequence: intron variant.
Genome position (GRCh38, 1-based): chr9:136,513,016, C>T on the plus strand (G>A on the coding strand, the complement: NOTCH1 is on the minus strand). VCF-style: chr9-136513016-C-T. GRCh37 (hg19) VCF-style: chr9-139407468-C-T.
Identifiers: ClinVar variation 1331612 (VCV001331612.4), dbSNP rs2133357901, ClinGen allele CA2573053144.
Genomic context (GRCh38, chr9:136,513,016, plus strand): 5'-GCACAGGTCCCGCCCCTCCCACATAGGCCCCGCCCCCTCCAGCACAGGCCCCACCCACCC[C>T]TCACCTGTGTAGGGCAGCAGGCAGTTGCACTTGTACCCGGCAACGTCGTCAATACACGTG-3'

ClinVar aggregate classification (germline): Uncertain significance (1 of 4 stars; one submission).

Submission:

Greenwood Genetic Center Diagnostic Laboratories, Greenwood Genetic Center
Classification: Uncertain significance. Last evaluated: 2021-03-11. Review status: criteria provided, single submitter. Criteria: ACMG Guidelines, 2015. Collection method: clinical testing. Allele origin: germline. Affected: yes.
Comment: PM2